The following is an entry in ClinVar:

NM_000155.4(GALT):c.1087G>A (p.Glu363Lys)

Gene: GALT (galactose-1-phosphate uridylyltransferase; plus strand). Cytogenetic location: 9p13.3.
Variant type: single nucleotide variant.
Coding change: c.1087G>A on transcript NM_000155.4 (MANE Select); coding-DNA position 1087, G replaced by A.
Protein change: p.Glu363Lys; replaces glutamic acid 363 with lysine.
Molecular consequence: missense variant.
Genome position (GRCh38, 1-based): chr9:34,650,396, G>A. VCF-style: chr9-34650396-G-A. GRCh37 (hg19) VCF-style: chr9-34650393-G-A.
Other names: NM_000155.4(GALT):c.1087G>A; p.Glu363Lys; c.1087G>A (NM_000155.3); c.760G>A, p.Glu254Lys (NM_001258332.2); short protein forms E363K, E254K.
Identifiers: ClinVar variation 38561 (VCV000038561.17), dbSNP rs367543273, ClinGen allele CA261032.

ClinVar aggregate classification (germline): Uncertain significance. Review status: reviewed by expert panel (3 of 4 stars). 5 submissions from 5 submitters: Uncertain significance (1). 4 of the submissions do not count toward it. Last evaluated 2026-06-23.

Conditions:
Galactosemia. Also called: Galactose intolerance. Identifiers: Orphanet 352, MedGen C0016952, MONDO:0018116, HP:0004919. Disease mechanism: loss of function.
Deficiency of UDPglucose-hexose-1-phosphate uridylyltransferase. Also called: Transferase Deficiency Galactosemia; GALACTOSE-1-PHOSPHATE URIDYLYLTRANSFERASE DEFICIENCY; GALACTOSEMIA I; GALT deficiency; Galactosemia, classic. Identifiers: Orphanet 352, Orphanet 79239, MedGen C0268151, MONDO:0009258, OMIM 230400.

Allele frequency attached by ClinVar (database versions not stated): gnomAD exomes below 0.00001.
gnomAD v4.1: 3 of 1,613,990 alleles (0.00019%); highest among the groups gnomAD compares: Non-Finnish European, 0.00025%; no homozygotes.

Submissions (5):

Clingen Galactosemia Variant Curation Expert Panel, ClinGen
Classification: Uncertain significance for Galactosemia. Last evaluated: 2026-06-23. Review status: reviewed by expert panel. Criteria: ClinGen Galactosemia ACMG Specifications GALT V1.1. Collection method: curation. Allele origin: germline. Inheritance: Autosomal recessive inheritance.
Comment: The c.1087G>A variant in GALT is a missense variant predicted to cause substitution of glutamic acid by lysine at amino acid 363 (p.Glu363Lys). The filtering allele frequency (the upper threshold of the 95% CI of 3/1179988) of the c.1087G>A variant in GALT is 0.00000068 for European (non-Finnish) chromosomes by gnomAD v4.1.0, which is lower than the ClinGen Galactosemia threshold (≤ 0.0005) for PM2_Supporting, and therefore meets this criterion (PM2_Supporting). The computational predictor REVEL gives a SCORE of 0.795, which is equal to or above the threshold of 0.7, evidence that correlates with impact to GALT function (PP3). This variant has been detected in at least 1 individual with galactosemia in a compound heterozygous state with a pathogenic or likely pathogenic variant (PM3_Supporting, PMID: 21150919). At least one patient with this variant displayed erythrocyte GALT activity of 0.3 umol hr–1 per grams hemoglobin (normal range, 25.7±3.6 umol hr–1 per gram hemoglobin), which is highly specific for galactosemia (PP4_Moderate; PMID: 21150919). In summary, this variant meets the criteria to be classified as a variant of uncertain significance for galactosemia based on the ACMG/AMP criteria applied, as specified by the ClinGen Galactosemia VCEP: PP4_moderate, PP3, PM2_supporting, PM3_supporting (GALT specifications v1.0.0).

Women's Health and Genetics/Laboratory Corporation of America, LabCorp
Classification: Likely pathogenic for Deficiency of UDPglucose-hexose-1-phosphate uridylyltransferase. Last evaluated: 2025-11-24. Review status: criteria provided, single submitter. Criteria: LabCorp Variant Classification Summary - May 2015. Collection method: clinical testing. Allele origin: germline. Not counted in ClinVar's aggregate classification.
Comment: Variant summary: GALT c.1087G>A (p.Glu363Lys) results in a conservative amino acid change in the encoded protein sequence. Algorithms developed to predict the effect of missense changes on protein structure and function are either unavailable or do not agree on the potential impact of this missense change. The variant was absent in 251440 control chromosomes (gnomAD). c.1087G>A has been observed in individuals affected with Galactosemia (e.g., Lee_2011, Choi_2014, Demirbas_2019, internal data). These data indicate that the variant is likely to be associated with disease. To our knowledge, no experimental evidence demonstrating an impact on protein function has been reported. The following publications have been ascertained in the context of this evaluation (PMID: 21150919, 25124065, 30718057). ClinVar contains an entry for this variant (Variation ID: 38561). Based on the evidence outlined above, the variant was classified as likely pathogenic.

Natera, Inc.
Classification: Likely pathogenic for Galactosemia. Last evaluated: 2025-09-10. Review status: criteria provided, single submitter. Criteria: Natera Variant Classification Schema (03/2026). Collection method: clinical testing. Allele origin: germline. Not counted in ClinVar's aggregate classification.
Comment: The c.1087G>A variant in GALT is a missense variant predicted to cause substitution of glutamic acid to lysine at amino acid 363. This variant is rare in the general population with a frequency below the threshold expected for the associated phenotype(s). This variant has been observed in one or more individuals affected with the associated recessive disease, as either homozygous or compound heterozygous with a second variant (PMID: 21150919). This variant has been identified in one or more affected individuals with a phenotype highly consistent with the associated gene (PMID: 21150919). Computational prediction algorithms indicate this variant is likely to affect gene or protein function. Given the available evidence, this variant is classified as Likely Pathogenic.

Labcorp Genetics (formerly Invitae), Labcorp
Classification: Likely pathogenic for Deficiency of UDPglucose-hexose-1-phosphate uridylyltransferase. Last evaluated: 2024-04-09. Review status: criteria provided, single submitter. Criteria: Invitae Variant Classification Sherloc (09022015). Collection method: clinical testing. Allele origin: germline. Not counted in ClinVar's aggregate classification.
Comment: This sequence change replaces glutamic acid, which is acidic and polar, with lysine, which is basic and polar, at codon 363 of the GALT protein (p.Glu363Lys). This variant is not present in population databases (gnomAD no frequency). This missense change has been observed in individual(s) with classical or non-classical galactosemia (PMID: 21150919, 30718057; Invitae). ClinVar contains an entry for this variant (Variation ID: 38561). Advanced modeling of protein sequence and biophysical properties (such as structural, functional, and spatial information, amino acid conservation, physicochemical variation, residue mobility, and thermodynamic stability) performed at Invitae indicates that this missense variant is expected to disrupt GALT protein function with a positive predictive value of 80%. Algorithms developed to predict the effect of sequence changes on RNA splicing suggest that this variant may disrupt the consensus splice site. In summary, the currently available evidence indicates that the variant is pathogenic, but additional data are needed to prove that conclusively. Therefore, this variant has been classified as Likely Pathogenic.

Baylor Genetics
Classification: Likely pathogenic for Deficiency of UDPglucose-hexose-1-phosphate uridylyltransferase. Last evaluated: 2023-12-05. Review status: criteria provided, single submitter. Criteria: ACMG Guidelines, 2015. Collection method: clinical testing. Allele origin: unknown. Not counted in ClinVar's aggregate classification.

Literature cited by the submitters: PubMed 25124065 (cited by Women's Health and Genetics/Laboratory Corporation of America, LabCorp); PubMed 30718057 (cited by Women's Health and Genetics/Laboratory Corporation of America, LabCorp and Labcorp Genetics (formerly Invitae), Labcorp); PubMed 21150919 (cited by 3 submitters).